The following is an entry in ClinVar:

NM_001267550.2(TTN):c.22077A>T (p.Gly7359=)

Gene: TTN (titin; minus strand). Cytogenetic location: 2q31.2.
Variant type: single nucleotide variant.
Coding change: c.22077A>T on transcript NM_001267550.2 (MANE Select); coding-DNA position 22077, A replaced by T.
Protein change: p.Gly7359=; no amino-acid change (glycine 7359 retained).
Molecular consequence: synonymous variant. On other transcripts: intron variant (3).
Genome position (GRCh38, 1-based): chr2:178,722,822, T>A on the plus strand (A>T on the coding strand, the complement: TTN is on the minus strand). VCF-style: chr2-178722822-T-A. GRCh37 (hg19) VCF-style: chr2-179587549-T-A.
Other names: c.21126A>T, p.Gly7042= (NM_001256850.1); c.18345A>T, p.Gly6115= (NM_133378.4); c.13282+15260A>T (NM_003319.4); c.13858+15260A>T (NM_133437.4); c.13657+15260A>T (NM_133432.3).
Identifiers: ClinVar variation 46694 (VCV000046694.62), dbSNP rs202102237, ClinGen allele CA138984.

ClinVar aggregate classification (germline): Benign/Likely benign. Review status: criteria provided, multiple submitters, no conflicts (2 of 4 stars). 21 submissions from 14 submitters: Benign (14); Likely benign (5). 2 of the submissions do not count toward it. Last evaluated 2026-01-26.

Conditions:
Dilated cardiomyopathy 1G (CMD1G). Identifiers: Orphanet 154, MedGen C1858763, MONDO:0011400, OMIM 604145.
Autosomal recessive limb-girdle muscular dystrophy type 2J (LGMDR10). Also called: Limb-girdle muscular dystrophy, type 2J; MUSCULAR DYSTROPHY, LIMB-GIRDLE, AUTOSOMAL RECESSIVE 10. Identifiers: Orphanet 140922, MedGen C1837342, MONDO:0012127, OMIM 608807.
Cardiomyopathy (CMYO). Also called: Cardiomyopathies. Identifiers: Orphanet 167848, MedGen C0878544, MONDO:0004994, HP:0001638. Inheritance: Various modes of inheritance.
Early-onset myopathy with fatal cardiomyopathy (CMYO5). Also called: Salih Myopathy; CONGENITAL MYOPATHY 5 WITH CARDIOMYOPATHY. Identifiers: Orphanet 289377, MedGen C2673677, MONDO:0012714, OMIM 611705. Disease mechanism: loss of function.
Myopathy, myofibrillar, 9, with early respiratory failure (MFM9). Also called: Hereditary myopathy with early respiratory failure; Myopathy, distal, with early respiratory failure, autosomal dominant; EDSTROM MYOPATHY; MYOPATHY, PROXIMAL, WITH EARLY RESPIRATORY MUSCLE INVOLVEMENT. Identifiers: Orphanet 178464, Orphanet 34521, MedGen C1863599, MONDO:0011362, OMIM 603689.
Tibial muscular dystrophy (TMD). Also called: Udd Distal Myopathy – Tibial Muscular Dystrophy; Tibial muscular dystrophy, tardive; UDD MYOPATHY. Identifiers: Orphanet 609, MedGen C1838244, MONDO:0010870, OMIM 600334.

Allele frequency attached by ClinVar (database versions not stated): gnomAD 0.00006; TOPMed 0.00008; ExAC 0.00204; 1000 Genomes Project 30x 0.00328; 1000 Genomes Project 0.00379.
gnomAD v4.1: 1,369 of 1,613,328 alleles (0.085%); highest among the groups gnomAD compares: South Asian, 1.4%; 22 homozygotes.

Submissions (21):

Labcorp Genetics (formerly Invitae), Labcorp
Classification: Benign for Dilated cardiomyopathy 1G; Autosomal recessive limb-girdle muscular dystrophy type 2J. Last evaluated: 2026-01-26. Review status: criteria provided, single submitter. Criteria: Invitae Variant Classification Sherloc (09022015). Collection method: clinical testing. Allele origin: germline.

CeGaT Center for Human Genetics Tuebingen
Classification: Benign. Last evaluated: 2025-11-01. Review status: criteria provided, single submitter. Criteria: CeGaT Center For Human Genetics Tuebingen Variant Classification Criteria Version 2. Collection method: clinical testing. Allele origin: germline. Affected: yes. Observed: 2 variant alleles.
Comment: TTN: BS1, BS2

Blueprint Genetics
Classification: Likely benign. Last evaluated: 2024-10-23. Review status: criteria provided, single submitter. Criteria: ACMG Guidelines, 2015. Collection method: clinical testing. Allele origin: germline.

Women's Health and Genetics/Laboratory Corporation of America, LabCorp
Classification: Benign. Last evaluated: 2023-08-19. Review status: criteria provided, single submitter. Criteria: LabCorp Variant Classification Summary - May 2015. Collection method: clinical testing. Allele origin: germline.

Genome-Nilou Lab
Classification: Benign for Autosomal recessive limb-girdle muscular dystrophy type 2J. Last evaluated: 2021-09-10. Review status: criteria provided, single submitter. Criteria: ACMG Guidelines, 2015. Collection method: clinical testing. Allele origin: germline. Affected: no.

Genome-Nilou Lab
Classification: Benign for Myopathy, myofibrillar, 9, with early respiratory failure. Last evaluated: 2021-09-10. Review status: criteria provided, single submitter. Criteria: ACMG Guidelines, 2015. Collection method: clinical testing. Allele origin: germline. Affected: no.

Genome-Nilou Lab
Classification: Benign for Early-onset myopathy with fatal cardiomyopathy. Last evaluated: 2021-09-10. Review status: criteria provided, single submitter. Criteria: ACMG Guidelines, 2015. Collection method: clinical testing. Allele origin: germline. Affected: no.

Genome-Nilou Lab
Classification: Benign for Tibial muscular dystrophy. Last evaluated: 2021-09-10. Review status: criteria provided, single submitter. Criteria: ACMG Guidelines, 2015. Collection method: clinical testing. Allele origin: germline. Affected: no.

Athena Diagnostics
Classification: Benign. Last evaluated: 2019-09-25. Review status: criteria provided, single submitter. Criteria: Athena Diagnostics Criteria. Collection method: clinical testing. Allele origin: unknown.

Illumina Laboratory Services, Illumina
Classification: Benign for Myopathy, myofibrillar, 9, with early respiratory failure. Last evaluated: 2018-01-12. Review status: criteria provided, single submitter. Criteria: ICSL Variant Classification Criteria 13 December 2019. Collection method: clinical testing. Allele origin: germline.
Comment: This variant was observed in the ICSL laboratory as part of a predisposition screen in an ostensibly healthy population. It had not been previously curated by ICSL or reported in the Human Gene Mutation Database (HGMD: prior to June 1st, 2018), and was therefore a candidate for classification through an automated scoring system. Utilizing variant allele frequency, disease prevalence and penetrance estimates, and inheritance mode, an automated score was calculated to assess if this variant is too frequent to cause the disease. Based on the score and internal cut-off values, a variant classified as benign is not then subjected to further curation. The score for this variant resulted in a classification of benign for this disease.

Illumina Laboratory Services, Illumina
Classification: Benign for Tibial muscular dystrophy. Last evaluated: 2018-01-12. Review status: criteria provided, single submitter. Criteria: ICSL Variant Classification Criteria 13 December 2019. Collection method: clinical testing. Allele origin: germline.
Comment: the same text as in the submission from Illumina Laboratory Services, Illumina above.

Illumina Laboratory Services, Illumina
Classification: Likely benign for Dilated cardiomyopathy 1G. Last evaluated: 2018-01-12. Review status: criteria provided, single submitter. Criteria: ICSL Variant Classification Criteria 13 December 2019. Collection method: clinical testing. Allele origin: germline.
Comment: This variant was observed in the ICSL laboratory as part of a predisposition screen in an ostensibly healthy population. It had not been previously curated by ICSL or reported in the Human Gene Mutation Database (HGMD: prior to June 1st, 2018), and was therefore a candidate for classification through an automated scoring system. Utilizing variant allele frequency, disease prevalence and penetrance estimates, and inheritance mode, an automated score was calculated to assess if this variant is too frequent to cause the disease. Based on the score and internal cut-off values, a variant classified as likely benign is not then subjected to further curation. The score for this variant resulted in a classification of likely benign for this disease.

Illumina Laboratory Services, Illumina
Classification: Likely benign for Early-onset myopathy with fatal cardiomyopathy. Last evaluated: 2018-01-12. Review status: criteria provided, single submitter. Criteria: ICSL Variant Classification Criteria 13 December 2019. Collection method: clinical testing. Allele origin: germline.
Comment: the same text as in the submission from Illumina Laboratory Services, Illumina above.

Illumina Laboratory Services, Illumina
Classification: Likely benign for Autosomal recessive limb-girdle muscular dystrophy type 2J. Last evaluated: 2018-01-12. Review status: criteria provided, single submitter. Criteria: ICSL Variant Classification Criteria 13 December 2019. Collection method: clinical testing. Allele origin: germline.
Comment: the same text as in the submission from Illumina Laboratory Services, Illumina above.

CHEO Genetics Diagnostic Laboratory, Children's Hospital of Eastern Ontario
Classification: Benign for Cardiomyopathy. Last evaluated: 2017-11-02. Review status: criteria provided, single submitter. Criteria: ACMG Guidelines, 2015. Collection method: clinical testing. Allele origin: germline.

GeneDx
Classification: Benign. Last evaluated: 2017-04-17. Review status: criteria provided, single submitter. Criteria: GeneDx Variant Classification (06012015). Collection method: clinical testing. Allele origin: germline. Affected: yes.
Comment: This variant is considered likely benign or benign based on one or more of the following criteria: it is a conservative change, it occurs at a poorly conserved position in the protein, it is predicted to be benign by multiple in silico algorithms, and/or has population frequency not consistent with disease.

Eurofins Ntd Llc (ga)
Classification: Benign. Last evaluated: 2015-10-06. Review status: criteria provided, single submitter. Criteria: EGL Classification Definitions 2015. Collection method: clinical testing. Allele origin: germline. Observed: 1 variant allele, 1 heterozygote.

Genetic Services Laboratory, University of Chicago
Classification: Likely benign. Last evaluated: 2015-04-04. Review status: criteria provided, single submitter. Criteria: ACMG Guidelines, 2015. Collection method: clinical testing. Allele origin: germline.

Laboratory for Molecular Medicine, Mass General Brigham Personalized Medicine
Classification: Benign. Last evaluated: 2014-11-20. Review status: criteria provided, single submitter. Criteria: LMM Criteria. Collection method: clinical testing. Allele origin: germline. Observed: 7 variant alleles.
Comment: p.Gly6115Gly in exon 73 of TTN: This variant is not expected to have clinical si gnificance because it has been identified in 1.5% (241/16480) of South Asian chr omosomes by the Exome Aggregation Consortium (ExAC, rg).

Clinical Genetics DNA and cytogenetics Diagnostics Lab, Erasmus MC, Erasmus Medical Center
Classification: Likely benign. Review status: no assertion criteria provided. Collection method: clinical testing. Allele origin: germline. Affected: yes. Study: VKGL Data-share Consensus. Not counted in ClinVar's aggregate classification.

Clinical Genetics, Academic Medical Center
Classification: Benign. Review status: no assertion criteria provided. Collection method: clinical testing. Allele origin: germline. Affected: yes. Study: VKGL Data-share Consensus. Not counted in ClinVar's aggregate classification.